The following is an entry in ClinVar:

NM_006842.3(SF3B2):c.1608dup (p.Arg537fs)

Gene: SF3B2 (splicing factor 3b subunit 2; plus strand). Cytogenetic location: 11q13.1.
Variant type: Duplication.
Coding change: c.1608dup on transcript NM_006842.3 (MANE Select); coding-DNA position 1608, one base duplicated (G; older notation c.1608dupG).
Protein change: p.Arg537fs; shifts the reading frame from arginine 537.
Molecular consequence: frameshift variant.
Genome position (GRCh38, 1-based): chr11:66,059,988, G duplicated. VCF-style (leftmost placement, unchanged base first): chr11-66059987-T-TG. GRCh37 (hg19) VCF-style: chr11-65827458-T-TG.
Other names: short protein forms R537fs.
Identifiers: ClinVar variation 1307153 (VCV001307153.2), dbSNP rs1387251840, ClinGen allele CA600230737.

ClinVar aggregate classification (germline): Uncertain significance (1 of 4 stars; one submission).

Allele frequency attached by ClinVar (database versions not stated): TOPMed below 0.00001; gnomAD 0.00001.

Submission:

GeneDx
Classification: Uncertain significance. Last evaluated: 2020-11-25. Review status: criteria provided, single submitter. Criteria: GeneDx Variant Classification Process June 2021. Collection method: clinical testing. Allele origin: germline. Affected: yes.
Comment: Frameshift variant predicted to result in protein truncation or nonsense mediated decay in a gene for which loss-of-function is not a known mechanism of disease; Has not been previously published as pathogenic or benign to our knowledge; Variants in candidate genes are classified as variants of uncertain significance in accordance with ACMG guidelines (Richards et al., 2015)